The following is an entry in ClinVar:

ClinVar aggregate classification (germline): Uncertain significance (1 of 4 stars; one submission).

gnomAD v4.1: 1 of 1,611,330 alleles (0.000062%); no homozygotes.

Submission:

Labcorp Genetics (formerly Invitae), Labcorp
Classification: Uncertain significance. Last evaluated: 2023-05-20. Review status: criteria provided, single submitter. Criteria: Invitae Variant Classification Sherloc (09022015). Collection method: clinical testing. Allele origin: germline.
Comment: In summary, the available evidence is currently insufficient to determine the role of this variant in disease. Therefore, it has been classified as a Variant of Uncertain Significance. Advanced modeling of protein sequence and biophysical properties (such as structural, functional, and spatial information, amino acid conservation, physicochemical variation, residue mobility, and thermodynamic stability) performed at Invitae indicates that this missense variant is expected to disrupt SAMD9L protein function. This variant has not been reported in the literature in individuals affected with SAMD9L-related conditions. This variant is not present in population databases (gnomAD no frequency). This sequence change replaces leucine, which is neutral and non-polar, with proline, which is neutral and non-polar, at codon 548 of the SAMD9L protein (p.Leu548Pro).

NM_152703.5(SAMD9L):c.1643T>C (p.Leu548Pro)

Gene: SAMD9L (sterile alpha motif domain containing 9 like; minus strand). Cytogenetic location: 7q21.2.
Variant type: single nucleotide variant.
Coding change: c.1643T>C on transcript NM_152703.5 (MANE Select); coding-DNA position 1643, T replaced by C.
Protein change: p.Leu548Pro; replaces leucine 548 with proline.
Molecular consequence: missense variant.
Genome position (GRCh38, 1-based): chr7:93,134,329, A>G on the plus strand (T>C on the coding strand, the complement: SAMD9L is on the minus strand). VCF-style: chr7-93134329-A-G. GRCh37 (hg19) VCF-style: chr7-92763642-A-G.
Other names: c.1643T>C, p.Leu548Pro (NM_001303496.3, NM_001303497.3, NM_001350082.2 and 5 more transcripts); short protein forms L548P.
Identifiers: ClinVar variation 2866263 (VCV002866263.3), dbSNP rs2535426256, ClinGen allele CA368195421.